The following is an entry in ClinVar:

NM_002474.3(MYH11):c.1577A>G (p.Asn526Ser)

Gene: MYH11 (myosin heavy chain 11; minus strand). Cytogenetic location: 16p13.11.
Variant type: single nucleotide variant.
Coding change: c.1577A>G on transcript NM_002474.3 (MANE Select); coding-DNA position 1577, A replaced by G.
Protein change: p.Asn526Ser; replaces asparagine 526 with serine.
Molecular consequence: missense variant.
Genome position (GRCh38, 1-based): chr16:15,756,513, T>C on the plus strand (A>G on the coding strand, the complement: MYH11 is on the minus strand). VCF-style: chr16-15756513-T-C. GRCh37 (hg19) VCF-style: chr16-15850370-T-C.
Other names: c.1577A>G, p.Asn526Ser (NM_022844.3); c.1598A>G, p.Asn533Ser (NM_001040113.2, NM_001040114.2); c.1577A>G (NM_002474.2); short protein forms N526S, N533S.
Identifiers: ClinVar variation 3703752 (VCV003703752.4).
Genomic context (GRCh38, chr16:15,756,513, plus strand): 5'-TCCGTGGCTTTGGGGAACCAGCATTCCTCGTCCAGCAGGGCCAGCACACCTGGAGGGTTG[T>C]TCTGTGGGAGACAAGTAGGGCTTGAATCAGAGAGAACACCCAACCTCAGGCATTCCATGA-3'
Protein context (NP_002465.1, residues 516-536): QPCIELIERP[Asn526Ser]NPPGVLALLD

ClinVar aggregate classification (germline): Uncertain significance. Review status: criteria provided, multiple submitters, no conflicts (2 of 4 stars). 3 submissions from 3 submitters: Uncertain significance (3). Last evaluated 2025-08-05.

Conditions:
Familial thoracic aortic aneurysm and aortic dissection (TAAD). Also called: Thoracic aortic aneurysms and dissections. Identifiers: Orphanet 91387, MedGen C4707243, MONDO:0019625.
Aortic aneurysm, familial thoracic 4 (AAT4). Also called: AORTIC ANEURYSM/AORTIC DISSECTION AND PATENT DUCTUS ARTERIOSUS. Identifiers: MedGen C1851504, MONDO:0007568, OMIM 132900.

gnomAD v4.1: 5 of 1,614,148 alleles (0.00031%); highest among the groups gnomAD compares: Admixed American, 0.0083%; no homozygotes.

Submissions (3):

Ambry Genetics
Classification: Uncertain significance for Familial thoracic aortic aneurysm and aortic dissection. Last evaluated: 2025-08-05. Review status: criteria provided, single submitter. Criteria: Ambry Variant Classification Scheme 2023. Collection method: clinical testing. Allele origin: germline.

Color Diagnostics, LLC DBA Color Health
Classification: Uncertain significance for Familial thoracic aortic aneurysm and aortic dissection. Last evaluated: 2025-06-30. Review status: criteria provided, single submitter. Criteria: ACMG Guidelines, 2015. Collection method: clinical testing. Allele origin: germline.
Comment: This missense variant replaces asparagine with serine at codon 533 of the MYH11 protein. Computational prediction suggests that this variant may not impact protein structure and function. To our knowledge, functional studies have not been reported for this variant. This variant has not been reported in individuals affected with MYH11-related disorders in the literature. This variant has been identified in 2/251262 chromosomes in the general population by the Genome Aggregation Database (gnomAD). The available evidence is insufficient to determine the role of this variant in disease conclusively. Therefore, this variant is classified as a Variant of Uncertain Significance.

Labcorp Genetics (formerly Invitae), Labcorp
Classification: Uncertain significance for Aortic aneurysm, familial thoracic 4. Last evaluated: 2024-12-31. Review status: criteria provided, single submitter. Criteria: Invitae Variant Classification Sherloc (09022015). Collection method: clinical testing. Allele origin: germline.
Comment: This sequence change replaces asparagine, which is neutral and polar, with serine, which is neutral and polar, at codon 533 of the MYH11 protein (p.Asn533Ser). This variant is present in population databases (no rsID available, gnomAD 0.006%). This variant has not been reported in the literature in individuals affected with MYH11-related conditions. An algorithm developed to predict the effect of missense changes on protein structure and function (PolyPhen-2) suggests that this variant is likely to be disruptive. In summary, the available evidence is currently insufficient to determine the role of this variant in disease. Therefore, it has been classified as a Variant of Uncertain Significance.